The following is an entry in ClinVar:

NM_018979.4(WNK1):c.*531C>T

Gene: WNK1 (WNK lysine deficient protein kinase 1; plus strand). Cytogenetic location: 12p13.33.
Variant type: single nucleotide variant.
Coding change: c.*531C>T on transcript NM_018979.4 (MANE Select); 531 bases downstream of the stop codon, C replaced by T.
Molecular consequence: 3 prime UTR variant.
Genome position (GRCh38, 1-based): chr12:909,323, C>T. VCF-style: chr12-909323-C-T. GRCh37 (hg19) VCF-style: chr12-1018489-C-T.
Other names: c.*531C>T (NM_001184985.2, NM_014823.3, NM_213655.5).
Identifiers: ClinVar variation 882396 (VCV000882396.4), dbSNP rs192527684, ClinGen allele CA231498730.

ClinVar aggregate classification (germline): Benign (1 of 4 stars; one submission).

Conditions:
Pseudohypoaldosteronism type 2C (PHA2C). Also called: Pseudohypoaldosteronism Type IIC. Identifiers: Orphanet 757, Orphanet 88940, MedGen C1840391, MONDO:0013778, OMIM 614492.

Allele frequency attached by ClinVar (database versions not stated): gnomAD exomes 0.00058; gnomAD 0.00060 and 0.00064; TOPMed 0.00068; 1000 Genomes Project 30x 0.00094; 1000 Genomes Project 0.00100.
gnomAD v4.1: 94 of 157,208 alleles (0.06%); highest among the groups gnomAD compares: African/African-American, 0.2%; no homozygotes.

Submission:

Illumina Laboratory Services, Illumina
Classification: Benign for Pseudohypoaldosteronism type 2C. Last evaluated: 2018-01-12. Review status: criteria provided, single submitter. Criteria: ICSL Variant Classification Criteria 13 December 2019. Collection method: clinical testing. Allele origin: germline.
Comment: This variant was observed in the ICSL laboratory as part of a predisposition screen in an ostensibly healthy population. It had not been previously curated by ICSL or reported in the Human Gene Mutation Database (HGMD: prior to June 1st, 2018), and was therefore a candidate for classification through an automated scoring system. Utilizing variant allele frequency, disease prevalence and penetrance estimates, and inheritance mode, an automated score was calculated to assess if this variant is too frequent to cause the disease. Based on the score and internal cut-off values, a variant classified as benign is not then subjected to further curation. The score for this variant resulted in a classification of benign for this disease.